The following is an entry in ClinVar:

ClinVar aggregate classification (germline): Pathogenic (1 of 4 stars; one submission).

Conditions:
Leber congenital amaurosis 13 (LCA13). Identifiers: MedGen C2675186, MONDO:0012990, OMIM 612712.

Submission:

Labcorp Genetics (formerly Invitae), Labcorp
Classification: Pathogenic for Leber congenital amaurosis 13. Last evaluated: 2023-06-25. Review status: criteria provided, single submitter. Criteria: Invitae Variant Classification Sherloc (09022015). Collection method: clinical testing. Allele origin: germline.
Comment: For these reasons, this variant has been classified as Pathogenic. This variant disrupts a region of the RDH12 protein in which other variant(s) (p.Arg295*) have been determined to be pathogenic (PMID: 2855908, 16269441, 22065924, 26047050). This suggests that this is a clinically significant region of the protein, and that variants that disrupt it are likely to be disease-causing. ClinVar contains an entry for this variant (Variation ID: 1071004). This variant has not been reported in the literature in individuals affected with RDH12-related conditions. This variant is not present in population databases (gnomAD no frequency). This sequence change creates a premature translational stop signal (p.Ala271Glyfs*13) in the RDH12 gene. While this is not anticipated to result in nonsense mediated decay, it is expected to disrupt the last 46 amino acid(s) of the RDH12 protein.

Literature cited by the submitters: PubMed 2855908; PubMed 16269441; PubMed 22065924; PubMed 26047050.

NM_152443.3(RDH12):c.812_813del (p.Ala271fs)

Genes: GPHN (gephyrin; plus strand), RDH12 (retinol dehydrogenase 12; plus strand), ZFYVE26 (zinc finger FYVE-type containing 26; minus strand). Cytogenetic location: 14q24.1.
Variant type: Deletion.
Coding change: c.812_813del on transcript NM_152443.3 (MANE Select); coding-DNA positions 812 to 813, 2 bases deleted (CT; older notation c.812_813delCT).
Protein change: p.Ala271fs; shifts the reading frame from alanine 271.
Molecular consequence: frameshift variant.
Genome position (GRCh38, 1-based): chr14:67,729,344-67,729,345, CT deleted. VCF-style (leftmost placement, unchanged base first): chr14-67729343-GCT-G. GRCh37 (hg19) VCF-style: chr14-68196060-GCT-G.
Other names: short protein forms A271fs.
Identifiers: ClinVar variation 1071004 (VCV001071004.10), dbSNP rs2140151036, ClinGen allele CA2499222673.